The following is an entry in ClinVar:

NM_001110556.2(FLNA):c.4155G>A (p.Thr1385=)

Gene: FLNA (filamin A; minus strand). Cytogenetic location: Xq28.
Variant type: single nucleotide variant.
Coding change: c.4155G>A on transcript NM_001110556.2 (MANE Select); coding-DNA position 4155, G replaced by A.
Protein change: p.Thr1385=; no amino-acid change (threonine 1385 retained).
Molecular consequence: synonymous variant.
Genome position (GRCh38, 1-based): chrX:154,359,394, C>T on the plus strand (G>A on the coding strand, the complement: FLNA is on the minus strand). VCF-style: chrX-154359394-C-T. GRCh37 (hg19) VCF-style: chrX-153587762-C-T.
Other names: p.Thr1385=; c.4155G>A, p.Thr1385= (NM_001456.4); c.4155G>A (NM_001110556.1).
Identifiers: ClinVar variation 1089030 (VCV001089030.13), dbSNP rs782110572, ClinGen allele CA10560580.
Genomic context (GRCh38, chrX:154,359,394, plus strand): 5'-GTTATCCATGCAGGACATCTTGGCCTCGGAGGGGCCCTCTACAGCCAGGCCCAGGCCGCC[C>T]GTGCCAGCTCCCCTGGTCCAAACAGACAGCCGGTCATTCCTGGGGTTCCCAGGCCCACCA-3'
Protein context (NP_001104026.1, residues 1375-1395): KFTVETRGAG[Thr1385=]GGLGLAVEGP

ClinVar aggregate classification (germline): Likely benign. Review status: criteria provided, multiple submitters, no conflicts (2 of 4 stars). 4 submissions from 4 submitters: Likely benign (4). Last evaluated 2026-08-11.

Conditions:
Frontometaphyseal dysplasia (FMD1). Identifiers: Orphanet 1826, MedGen C0265293, MONDO:0015942.
Melnick-Needles syndrome (MNS). Also called: MELNICK-NEEDLES OSTEODYSPLASTY; Melnick-Needles Syndrome (FLNA-MNS); OSTEODYSPLASTY OF MELNICK AND NEEDLES. Identifiers: Orphanet 2484, MedGen C0025237, MONDO:0010650, OMIM 309350.
Heterotopia, periventricular, X-linked dominant (PVNH1). Also called: X-linked periventricular heterotopia; PERIVENTRICULAR NODULAR HETEROTOPIA 4; HETEROTOPIA, PERIVENTRICULAR, 1; PERIVENTRICULAR NODULAR HETEROTOPIA 1. Identifiers: Orphanet 2149, Orphanet 82004, MedGen C1848213, MONDO:0010233, OMIM 300049.
Oto-palato-digital syndrome, type II (OPD2). Also called: Otopalatodigital Syndrome, Type II; Otopalatodigital Syndrome Type 2 (FLNA-OPD2); FACIOPALATOOSSEOUS SYNDROME; OPD II SYNDROME. Identifiers: Orphanet 669, Orphanet 90652, MedGen C1844696, MONDO:0010571, OMIM 304120.
FLNA-related disorder.
Familial thoracic aortic aneurysm and aortic dissection (TAAD). Also called: Thoracic aortic aneurysms and dissections. Identifiers: Orphanet 91387, MedGen C4707243, MONDO:0019625.

gnomAD v4.1: 48 of 1,210,374 alleles (0.004%); highest among the groups gnomAD compares: Non-Finnish European, 0.0052%; no homozygotes.

Submissions (4):

PreventionGenetics, part of Exact Sciences
Classification: Likely benign for FLNA-related condition. Last evaluated: 2026-08-11. Review status: criteria provided, single submitter. Criteria: ACMG Guidelines, 2015. Collection method: clinical testing. Allele origin: germline.
Comment: This variant is classified as likely benign based on ACMG/AMP sequence variant interpretation guidelines (Richards et al. 2015 PMID: 25741868, with internal and published modifications).

Labcorp Genetics (formerly Invitae), Labcorp
Classification: Likely benign for Oto-palato-digital syndrome, type II; Heterotopia, periventricular, X-linked dominant; Frontometaphyseal dysplasia; Melnick-Needles syndrome. Last evaluated: 2026-01-14. Review status: criteria provided, single submitter. Criteria: Invitae Variant Classification Sherloc (09022015). Collection method: clinical testing. Allele origin: germline.

Mayo Clinic Laboratories, Mayo Clinic
Classification: Likely benign. Last evaluated: 2024-12-12. Review status: criteria provided, single submitter. Criteria: ACMG Guidelines, 2015. Collection method: clinical testing. Allele origin: germline. Observed: 3 variant alleles.
Comment: BP4, BP7

Ambry Genetics
Classification: Likely benign for Familial thoracic aortic aneurysm and aortic dissection. Last evaluated: 2017-06-19. Review status: criteria provided, single submitter. Criteria: Ambry Variant Classification Scheme 2023. Collection method: clinical testing. Allele origin: germline.